The following is an entry in ClinVar:

NM_001710.6(CFB):c.967A>G (p.Lys323Glu)

Gene: CFB (complement factor B; plus strand). Cytogenetic location: 6p21.33.
Variant type: single nucleotide variant.
Coding change: c.967A>G on transcript NM_001710.6 (MANE Select); coding-DNA position 967, A replaced by G.
Protein change: p.Lys323Glu; replaces lysine 323 with glutamic acid.
Molecular consequence: missense variant.
Genome position (GRCh38, 1-based): chr6:31,948,443, A>G. VCF-style: chr6-31948443-A-G. GRCh37 (hg19) VCF-style: chr6-31916220-A-G.
Other names: short protein forms K323E.
Identifiers: ClinVar variation 16080 (VCV000016080.4), dbSNP rs121909748, ClinGen allele CA257419.
Genomic context (GRCh38, chr6:31,948,443, plus strand): 5'-TATGGTGTGAAGCCAAGATATGGTCTAGTGACATATGCCACATACCCCAAAATTTGGGTC[A>G]AAGTGTCTGAAGCAGACAGCAGTAATGCAGACTGGGTCACGAAGCAGCTCAATGAAATCA-3'
Protein context (NP_001701.2, residues 313-333): TYATYPKIWV[Lys323Glu]VSEADSSNAD

ClinVar aggregate classification (germline): Pathogenic. Review status: criteria provided, single submitter (1 of 4 stars). 2 submissions from 2 submitters: Pathogenic (1). 1 of the submissions does not count toward it. Last evaluated 2025-09-26.

Conditions:
Atypical hemolytic-uremic syndrome. Identifiers: Orphanet 2134, MedGen C2931788, MONDO:0016244.
Atypical hemolytic-uremic syndrome with B factor anomaly. Also called: HEMOLYTIC UREMIC SYNDROME, ATYPICAL, SUSCEPTIBILITY TO, 4; AHUS, SUSCEPTIBILITY TO, 4. Identifiers: Orphanet 2134, MedGen C2752038, MONDO:0013042, OMIM 612924.

Submissions (2):

Genomenon, Inc
Classification: Pathogenic for Atypical hemolytic-uremic syndrome. Last evaluated: 2025-09-26. Review status: criteria provided, single submitter. Criteria: Genomenon Sequence Variant Interpretation Standards - Updated. Collection method: curation. Allele origin: germline. Affected: yes.
Comment: CFB p.Lys323Glu (c.967A>G) is a missense variant that changes the amino acid at residue 323 from Lysine to Glutamic acid. This variant has been observed in at least one proband affected with atypical hemolytic-uremic syndrome (PMID:35372954;26826462;17182750;29670616). The variant was found to segregate with disease in at least one affected family (PMID:29670616). A de novo occurrence of this variant has been observed in at least one affected individual (PMID:17182750). At least one functional study has demonstrated a substantial alteration in protein function relative to the wild-type (PMID:17182750). It is absent or not present at a significant frequency in gnomAD. In conclusion, we classify CFB p.Lys323Glu (c.967A>G) as a pathogenic variant.

OMIM
Classification: risk factor for HEMOLYTIC UREMIC SYNDROME, ATYPICAL, SUSCEPTIBILITY TO, 4. Last evaluated: 2007-01-02. Review status: no assertion criteria provided. Collection method: literature only. Allele origin: germline. Not counted in ClinVar's aggregate classification.

Literature cited by the submitters: PubMed 35372954 (cited by Genomenon, Inc); 26826462 (cited by Genomenon, Inc); 17182750 (cited by Genomenon, Inc); 29670616 (cited by Genomenon, Inc); PubMed 17182750 (cited by OMIM); PubMed 15661753 (cited by OMIM).